The following is an entry in ClinVar:

ClinVar aggregate classification (germline): Uncertain significance (1 of 4 stars; one submission).

Conditions:
Hereditary cancer-predisposing syndrome. Also called: Tumor predisposition; Hereditary neoplastic syndrome; Neoplastic Syndromes, Hereditary; Hereditary Cancer Syndrome. Identifiers: Orphanet 140162, MedGen C0027672, MeSH D009386, MONDO:0015356.

Submission:

Ambry Genetics
Classification: Uncertain significance for Hereditary cancer-predisposing syndrome. Last evaluated: 2025-05-05. Review status: criteria provided, single submitter. Criteria: Ambry Variant Classification Scheme 2023. Collection method: clinical testing. Allele origin: germline.
Comment: The p.S107C variant (also known as c.319A>T), located in coding exon 4 of the CDC73 gene, results from an A to T substitution at nucleotide position 319. The serine at codon 107 is replaced by cysteine, an amino acid with dissimilar properties. This amino acid position is conserved. In addition, this alteration is predicted to be deleterious by in silico analysis. Based on the available evidence, the clinical significance of this variant remains unclear.

NM_024529.5(CDC73):c.319A>T (p.Ser107Cys)

Gene: CDC73 (cell division cycle 73; plus strand). Cytogenetic location: 1q31.2.
Variant type: single nucleotide variant.
Coding change: c.319A>T on transcript NM_024529.5 (MANE Select); coding-DNA position 319, A replaced by T.
Protein change: p.Ser107Cys; replaces serine 107 with cysteine.
Molecular consequence: missense variant.
Genome position (GRCh38, 1-based): chr1:193,135,402, A>T. VCF-style: chr1-193135402-A-T. GRCh37 (hg19) VCF-style: chr1-193104532-A-T.
Other names: short protein forms S107C.
Identifiers: ClinVar variation 3998684 (VCV003998684.1).
Genomic context (GRCh38, chr1:193,135,402, plus strand): 5'-TATATATGTTGAAATAGTAATCCTTACGTGAATCTTTTTATGTCTTCAGCAACATCGGCA[A>T]GTATAGACAGAAGCGCTCCCTTAGAAATAGGTCTTCAGCGATCTACTCAAGGTATGTCTT-3'
Protein context (NP_078805.3, residues 97-117): YLNGEASTSA[Ser107Cys]IDRSAPLEIG